The following is an entry in ClinVar:

NM_000321.3(RB1):c.2212-19_2212-16del

Gene: RB1 (RB transcriptional corepressor 1; plus strand). Cytogenetic location: 13q14.2.
Variant type: Deletion.
Coding change: c.2212-19_2212-16del on transcript NM_000321.3 (MANE Select); 19 bases into the intron before coding-DNA position 2212 through 16 bases into the intron before coding-DNA position 2212, 4 bases deleted (TTTT; older notation c.2212-19_2212-16delTTTT).
Molecular consequence: intron variant.
Genome position (GRCh38, 1-based): chr13:48,464,979-48,464,982, TTTT deleted; deleting any 4 consecutive bases within chr13:48,464,959-48,464,982 gives the same sequence; the c. name uses the placement nearest the transcript's 3' end. VCF-style (leftmost placement, unchanged base first): chr13-48464958-CTTTT-C. GRCh37 (hg19) VCF-style: chr13-49039094-CTTTT-C.
Other names: c.2212-19_2212-16del (NM_001407165.1).
Identifiers: ClinVar variation 3050456 (VCV003050456.2), dbSNP rs553094345, ClinGen allele CA698685561.

ClinVar aggregate classification (germline): Likely benign (0 of 4 stars; one submission).

Conditions:
RB1-related disorder. Also called: RB1-related condition.

Submission:

PreventionGenetics, part of Exact Sciences
Classification: Likely benign for RB1-related condition. Last evaluated: 2021-12-10. Review status: no assertion criteria provided. Collection method: clinical testing. Allele origin: germline.
Comment: This variant is classified as likely benign based on ACMG/AMP sequence variant interpretation guidelines (Richards et al. 2015 PMID: 25741868, with internal and published modifications).